The following is an entry in ClinVar:

ClinVar aggregate classification (germline): Uncertain significance. Review status: criteria provided, multiple submitters, no conflicts (2 of 4 stars). 2 submissions from 2 submitters: Uncertain significance (2). Last evaluated 2024-02-17.

Conditions:
Hereditary cancer-predisposing syndrome. Also called: Hereditary Cancer Syndrome; Hereditary neoplastic syndrome; Neoplastic Syndromes, Hereditary; Tumor predisposition. Identifiers: Orphanet 140162, MedGen C0027672, MeSH D009386, MONDO:0015356.
Haddad syndrome (OHD). Also called: Ondine-Hirschsprung disease. Identifiers: Orphanet 99803, MedGen C1859049, MONDO:0020493.

gnomAD v4.1: 1 of 1,606,028 alleles (0.000062%); highest among the groups gnomAD compares: Non-Finnish European, 0.000085%; no homozygotes.

Submissions (2):

Ambry Genetics
Classification: Uncertain significance for Hereditary cancer-predisposing syndrome. Last evaluated: 2024-02-17. Review status: criteria provided, single submitter. Criteria: Ambry Variant Classification Scheme 2023. Collection method: clinical testing. Allele origin: germline.
Comment: The p.I283T variant (also known as c.848T>C), located in coding exon 3 of the PHOX2B gene, results from a T to C substitution at nucleotide position 848. The isoleucine at codon 283 is replaced by threonine, an amino acid with similar properties. This amino acid position is conserved. In addition, the in silico prediction for this alteration is inconclusive. Based on the available evidence, the clinical significance of this alteration remains unclear.

Labcorp Genetics (formerly Invitae), Labcorp
Classification: Uncertain significance for Haddad syndrome. Last evaluated: 2023-11-07. Review status: criteria provided, single submitter. Criteria: Invitae Variant Classification Sherloc (09022015). Collection method: clinical testing. Allele origin: germline.
Comment: This sequence change replaces isoleucine, which is neutral and non-polar, with threonine, which is neutral and polar, at codon 283 of the PHOX2B protein (p.Ile283Thr). This variant is not present in population databases (gnomAD no frequency). This variant has not been reported in the literature in individuals affected with PHOX2B-related conditions. Experimental studies and prediction algorithms are not available or were not evaluated, and the functional significance of this variant is currently unknown. In summary, the available evidence is currently insufficient to determine the role of this variant in disease. Therefore, it has been classified as a Variant of Uncertain Significance.

NM_003924.4(PHOX2B):c.848T>C (p.Ile283Thr)

Gene: PHOX2B (paired like homeobox 2B; minus strand). Cytogenetic location: 4p13.
Variant type: single nucleotide variant.
Coding change: c.848T>C on transcript NM_003924.4 (MANE Select); coding-DNA position 848, T replaced by C.
Protein change: p.Ile283Thr; replaces isoleucine 283 with threonine.
Molecular consequence: missense variant.
Genome position (GRCh38, 1-based): chr4:41,745,904, A>G on the plus strand (T>C on the coding strand, the complement: PHOX2B is on the minus strand). VCF-style: chr4-41745904-A-G. GRCh37 (hg19) VCF-style: chr4-41747921-A-G.
Other names: short protein forms I283T.
Identifiers: ClinVar variation 2997666 (VCV002997666.4), dbSNP rs2153112744, ClinGen allele CA356737002.